The following is an entry in ClinVar:

NM_006206.6(PDGFRA):c.1364+6G>T

Gene: PDGFRA (platelet derived growth factor receptor alpha; plus strand). Cytogenetic location: 4q12.
Variant type: single nucleotide variant.
Coding change: c.1364+6G>T on transcript NM_006206.6 (MANE Select); 6 bases into the intron after coding-DNA position 1364, G replaced by T.
Molecular consequence: intron variant.
Genome position (GRCh38, 1-based): chr4:54,272,526, G>T. VCF-style: chr4-54272526-G-T. GRCh37 (hg19) VCF-style: chr4-55138693-G-T.
Other names: c.1364+6G>T (NM_006206.5, NM_001347827.2, NM_001347829.2); c.1439+6G>T (NM_001347828.2); c.1403+6G>T (NM_001347830.2).
Identifiers: ClinVar variation 837196 (VCV000837196.12), dbSNP rs368934617, ClinGen allele CA2922528.

ClinVar aggregate classification (germline): Conflicting classifications of pathogenicity. Review status: criteria provided, conflicting classifications (1 of 4 stars). 4 submissions from 4 submitters: Uncertain significance (2); Likely benign (1). 1 of the submissions does not count toward it. Last evaluated 2026-06-12.

Conditions:
PDGFRA-related disorder. Also called: PDGFRA-related condition.
Polyps, multiple and recurrent inflammatory fibroid, gastrointestinal. Identifiers: MedGen C5193005, MONDO:0008285, OMIM 175510.
Gastrointestinal stromal tumor. Also called: Gastrointestinal stromal tumor, somatic; Gastrointestinal stroma tumor. Identifiers: Orphanet 44890, MedGen C0238198, MeSH D046152, MONDO:0011719, OMIM 606764, HP:0100723.

Allele frequency attached by ClinVar (database versions not stated): gnomAD exomes below 0.00001; ExAC 0.00001; TOPMed 0.00001; gnomAD 0.00003 and 0.00004; ESP Exome Variant Server 0.00008.
gnomAD v4.1: 10 of 1,613,258 alleles (0.00062%); highest among the groups gnomAD compares: African/African-American, 0.0093%; no homozygotes.

Submissions (4):

Myriad Genetics, Inc.
Classification: Likely benign for Polyps, multiple and recurrent inflammatory fibroid, gastrointestinal. Last evaluated: 2026-06-12. Review status: criteria provided, single submitter. Criteria: Myriad Autosomal Dominant, Autosomal Recessive and X-Linked Classification Criteria (2023). Collection method: clinical testing. Allele origin: unknown.
Comment: This variant is considered likely benign. This variant is intronic and is not expected to impact mRNA splicing.

Labcorp Genetics (formerly Invitae), Labcorp
Classification: Uncertain significance for Gastrointestinal stromal tumor. Last evaluated: 2025-12-22. Review status: criteria provided, single submitter. Criteria: Invitae Variant Classification Sherloc (09022015). Collection method: clinical testing. Allele origin: germline.
Comment: This sequence change falls in intron 9 of the PDGFRA gene. It does not directly change the encoded amino acid sequence of the PDGFRA protein. It affects a nucleotide within the consensus splice site. This variant is present in population databases (rs368934617, gnomAD 0.01%). This variant has not been reported in the literature in individuals affected with PDGFRA-related conditions. ClinVar contains an entry for this variant (Variation ID: 837196). Variants that disrupt the consensus splice site are a relatively common cause of aberrant splicing (PMID: 17576681, 9536098). Algorithms developed to predict the effect of sequence changes on RNA splicing suggest that this variant is not likely to affect RNA splicing. In summary, the available evidence is currently insufficient to determine the role of this variant in disease. Therefore, it has been classified as a Variant of Uncertain Significance.

St. Jude Molecular Pathology, St. Jude Children's Research Hospital
Classification: Uncertain significance for Polyps, multiple and recurrent inflammatory fibroid, gastrointestinal. Last evaluated: 2024-12-28. Review status: criteria provided, single submitter. Criteria: St. Jude Assertion Criteria 2020. Collection method: clinical testing. Allele origin: germline.
Comment: The PDGFRA c.1364+6G>T intronic change results in a G to T substitution at the +6 position of intron 9 of the PDGFRA gene. Algorithms that predict the impact of sequence changes on splicing indicate that this change may impact splicing but to our knowledge these predictions have not been confirmed by RNA studies. This variant has a maximum subpopulation frequency of 0.01% in gnomAD v2.1.1. To our knowledge, this variant has not been reported in individuals with PDGFRA-related conditions. In summary, the evidence currently available is insufficient to determine the clinical significance of this variant. It has therefore been classified as of uncertain significance.

PreventionGenetics, part of Exact Sciences
Classification: Likely benign for PDGFRA-related condition. Last evaluated: 2024-03-06. Review status: no assertion criteria provided. Collection method: clinical testing. Allele origin: germline. Not counted in ClinVar's aggregate classification.
Comment: This variant is classified as likely benign based on ACMG/AMP sequence variant interpretation guidelines (Richards et al. 2015 PMID: 25741868, with internal and published modifications).

Literature cited by the submitters: PubMed 17576681 (cited by Labcorp Genetics (formerly Invitae), Labcorp); PubMed 9536098 (cited by Labcorp Genetics (formerly Invitae), Labcorp).